The following is an entry in ClinVar:

ClinVar aggregate classification (germline): Uncertain significance (1 of 4 stars; one submission).

Submission:

Labcorp Genetics (formerly Invitae), Labcorp
Classification: Uncertain significance. Last evaluated: 2023-06-28. Review status: criteria provided, single submitter. Criteria: Invitae Variant Classification Sherloc (09022015). Collection method: clinical testing. Allele origin: germline.
Comment: This sequence change replaces proline, which is neutral and non-polar, with alanine, which is neutral and non-polar, at codon 5 of the FAR1 protein (p.Pro5Ala). This variant is not present in population databases (gnomAD no frequency). This variant has not been reported in the literature in individuals affected with FAR1-related conditions. Advanced modeling of protein sequence and biophysical properties (such as structural, functional, and spatial information, amino acid conservation, physicochemical variation, residue mobility, and thermodynamic stability) performed at Invitae indicates that this missense variant is not expected to disrupt FAR1 protein function. In summary, the available evidence is currently insufficient to determine the role of this variant in disease. Therefore, it has been classified as a Variant of Uncertain Significance.

NM_032228.6(FAR1):c.13C>G (p.Pro5Ala)

Gene: FAR1 (fatty acyl-CoA reductase 1; plus strand). Cytogenetic location: 11p15.3.
Variant type: single nucleotide variant.
Coding change: c.13C>G on transcript NM_032228.6 (MANE Select); coding-DNA position 13, C replaced by G.
Protein change: p.Pro5Ala; replaces proline 5 with alanine.
Molecular consequence: missense variant.
Genome position (GRCh38, 1-based): chr11:13,694,778, C>G. VCF-style: chr11-13694778-C-G. GRCh37 (hg19) VCF-style: chr11-13716325-C-G.
Other names: short protein forms P5A.
Identifiers: ClinVar variation 2814148 (VCV002814148.3), dbSNP rs2500103774, ClinGen allele CA379855911.
Genomic context (GRCh38, chr11:13,694,778, plus strand): 5'-TGAATCCTTAAACTAATGCTTATTTGCCATGTTTTTCTTAGGATCAAAATGGTTTCAATC[C>G]CAGAATACTATGAAGGCAAGAACGTCCTCCTCACAGGAGCTACCGGTTTTCTAGGGAAGG-3'
Protein context (NP_115604.1, residues 1-15): MVSI[Pro5Ala]EYYEGKNVLL